The following is an entry in ClinVar:

NM_007194.3:c.1406_1407insAlu

Gene: CHEK2 (checkpoint kinase 2; minus strand). Cytogenetic location: 22q12.1.
Variant type: Insertion.
Identifiers: ClinVar variation 870262 (VCV000870262.2).

ClinVar aggregate classification (germline): Pathogenic (1 of 4 stars; one submission).

Conditions:
Familial cancer of breast. Also called: Hereditary breast cancer; hereditary breast carcinoma; BREAST CANCER, FAMILIAL. Identifiers: Orphanet 227535, MedGen C0346153, MONDO:0016419, OMIM 114480. Disease mechanism: loss of function.

Submission:

Labcorp Genetics (formerly Invitae), Labcorp
Classification: Pathogenic for Hereditary Breast Carcinoma. Last evaluated: 2019-06-07. Review status: criteria provided, single submitter. Criteria: Invitae Variant Classification Sherloc (09022015). Collection method: clinical testing. Allele origin: germline.
Comment: This sequence change inserts a large fragment of DNA, likely a transposable element, in exon 13 of the CHEK2 gene (c.1406_1407insAlu), causing a frameshift at codon 469 (p.Val469fs). The exact size and sequence of the insertion cannot be determined by the current assay. However, the insertion is expected to result in an absent or disrupted protein product. This variant has not been reported in the literature in individuals with CHEK2-related conditions. Retrotransposon insertions including LINE1 (L1), Alu, and SVA (SINE-VNTR-Alu) have been reported to be disease-causing through disruption of either a coding region or splice site (PMID: 19763152, 20307669, 22406018) and loss-of-function variants in CHEK2 are known to be pathogenic (PMID: 21876083, 24713400). For these reasons, this variant has been classified as Pathogenic.

Literature cited by the submitters: PubMed 20307669; PubMed 24713400; PubMed 22406018; PubMed 21876083; PubMed 19763152.